The following is an entry in ClinVar:

ClinVar aggregate classification (germline): Uncertain significance (1 of 4 stars; one submission).

Conditions:
Cystic fibrosis (CF). Also called: MUCOVISCIDOSIS. Identifiers: Orphanet 586, MedGen C0010674, MONDO:0009061, OMIM 219700. Disease mechanism: loss of function.

Submission:

Ambry Genetics
Classification: Uncertain significance for Cystic fibrosis. Last evaluated: 2025-12-15. Review status: criteria provided, single submitter. Criteria: Ambry Variant Classification Scheme 2023. Collection method: clinical testing. Allele origin: germline.
Comment: The p.M348L variant (also known as c.1042A>T), located in coding exon 8 of the CFTR gene, results from an A to T substitution at nucleotide position 1042. The methionine at codon 348 is replaced by leucine, an amino acid with highly similar properties. This amino acid position is conserved. In addition, this alteration is predicted to be deleterious by in silico analysis. Based on the available evidence, the clinical significance of this variant remains unclear.

NM_000492.4(CFTR):c.1042A>T (p.Met348Leu)

Gene: CFTR (CF transmembrane conductance regulator; plus strand). Cytogenetic location: 7q31.2.
Variant type: single nucleotide variant.
Coding change: c.1042A>T on transcript NM_000492.4 (MANE Select); coding-DNA position 1042, A replaced by T.
Protein change: p.Met348Leu; replaces methionine 348 with leucine.
Molecular consequence: missense variant.
Genome position (GRCh38, 1-based): chr7:117,540,272, A>T. VCF-style: chr7-117540272-A-T. GRCh37 (hg19) VCF-style: chr7-117180326-A-T.
Other names: short protein forms M348L.
Identifiers: ClinVar variation 4841329 (VCV004841329.1).